The following is an entry in ClinVar:

ClinVar aggregate classification (germline): Likely pathogenic (1 of 4 stars; one submission).

Conditions:
Neuronal ceroid lipofuscinosis 2. Also called: JANSKY-BIELSCHOWSKY DISEASE NEURONAL CEROID LIPOFUSCINOSIS, LATE INFANTILE; TPP1-Related Neuronal Ceroid-Lipofuscinosis. Identifiers: Orphanet 168491, Orphanet 228349, Orphanet 79264, MedGen C1876161, MONDO:0008769, OMIM 204500.

Submission:

Natera, Inc.
Classification: Likely pathogenic for Neuronal ceroid lipofuscinosis 2. Last evaluated: 2024-03-02. Review status: criteria provided, single submitter. Criteria: Natera Variant Classification Schema (03/2026). Collection method: clinical testing. Allele origin: germline.
Comment: The c.442dupA variant in TPP1 is a frameshift variant predicted to shift the reading frame beginning at codon 148 and leads to a stop codon 40 codons downstream. This variant is expected to result in nonsense mediated decay, truncation, or a dysfunctional protein product. This variant is rare in the general population with a frequency below the threshold expected for the associated phenotype(s). Given the available evidence, this variant is classified as Likely Pathogenic.

NM_000391.4(TPP1):c.442dup (p.Thr148fs)

Gene: TPP1 (tripeptidyl peptidase 1; minus strand). Cytogenetic location: 11p15.4.
Variant type: Duplication.
Coding change: c.442dup on transcript NM_000391.4 (MANE Select); coding-DNA position 442, one base duplicated (A; older notation c.442dupA).
Protein change: p.Thr148fs; shifts the reading frame from threonine 148.
Molecular consequence: frameshift variant.
Genome position (GRCh38, 1-based): chr11:6,617,367, T duplicated on the plus strand (A on the coding strand, the reverse complement: TPP1 is on the minus strand); the first of 3 consecutive T bases (chr11:6,617,367-6,617,369); duplicating any one gives the same sequence. VCF-style (leftmost placement, unchanged base first): chr11-6617366-G-GT. GRCh37 (hg19) VCF-style: chr11-6638597-G-GT.
Other names: short protein forms T148fs.
Identifiers: ClinVar variation 4818298 (VCV004818298.1).